The following is an entry in ClinVar:

ClinVar aggregate classification (germline): Benign/Likely benign. Review status: criteria provided, multiple submitters, no conflicts (2 of 4 stars). 2 submissions from 2 submitters: Benign (1); Likely benign (1). Last evaluated 2026-03-01.

Allele frequency attached by ClinVar (database versions not stated): TOPMed 0.00164; 1000 Genomes Project 30x 0.00172; 1000 Genomes Project 0.00220; gnomAD 0.00285; gnomAD exomes 0.00304.
gnomAD v4.1: 1,162 of 398,658 alleles (0.29%); highest among the groups gnomAD compares: Non-Finnish European, 0.29%; 7 homozygotes.

Submissions (2):

CeGaT Center for Human Genetics Tuebingen
Classification: Benign. Last evaluated: 2026-03-01. Review status: criteria provided, single submitter. Criteria: CeGaT Center For Human Genetics Tuebingen Variant Classification Criteria Version 2. Collection method: clinical testing. Allele origin: germline. Affected: yes. Observed: 6 variant alleles.
Comment: KCNQ1OT1: BS1, BS2

Blueprint Genetics
Classification: Likely benign. Last evaluated: 2024-11-27. Review status: criteria provided, single submitter. Criteria: ACMG Guidelines, 2015. Collection method: clinical testing. Allele origin: germline.

NM_000218.3(KCNQ1):c.1514+1469T>C

Genes: KCNQ1 (potassium voltage-gated channel subfamily Q member 1; plus strand), KCNQ1OT1 (KCNQ1 opposite strand/antisense transcript 1; minus strand). Cytogenetic location: 11p15.5.
Variant type: single nucleotide variant.
Coding change: c.1514+1469T>C on transcript NM_000218.3 (MANE Select); 1469 bases into the intron after coding-DNA position 1514, T replaced by C.
Molecular consequence: intron variant. On other transcripts: non-coding transcript variant (1).
Genome position (GRCh38, 1-based): chr11:2,663,550, T>C. VCF-style: chr11-2663550-T-C. GRCh37 (hg19) VCF-style: chr11-2684780-T-C.
Other names: c.1244+1469T>C (NM_001406837.1); c.1418+1469T>C (NM_001406836.1); c.974+1469T>C (NM_001406838.1); c.1133+1469T>C (NM_181798.2).
Identifiers: ClinVar variation 2641453 (VCV002641453.25), dbSNP rs144058901, ClinGen allele CA216172462.
Genomic context (GRCh38, chr11:2,663,550, plus strand): 5'-ACAGGTGGCAGTGCCTGTATTGCCTCTTGGCTGTCCCCTCAGAGAGGGGACTGTCCCTTC[T>C]CATCCTTCTGGCTGCTTGCTTCTCCTGTTGGAGCTCTCGCTCACCTTGGTTCTCTTGGTC-3'